The following is an entry in ClinVar:

NM_001377304.1(GFI1B):c.238+7C>T

Gene: GFI1B (growth factor independent 1B transcriptional repressor; plus strand). Cytogenetic location: 9q34.13.
Variant type: single nucleotide variant.
Coding change: c.238+7C>T on transcript NM_001377304.1 (MANE Select); 7 bases into the intron after coding-DNA position 238, C replaced by T.
Molecular consequence: intron variant.
Genome position (GRCh38, 1-based): chr9:132,987,426, C>T. VCF-style: chr9-132987426-C-T. GRCh37 (hg19) VCF-style: chr9-135862813-C-T.
Other names: p.?; c.238+7C>T (NM_004188.8, NM_001371908.1, NM_001135031.2 and 2 more transcripts).
Identifiers: ClinVar variation 790269 (VCV000790269.43), dbSNP rs11793702, ClinGen allele CA5301868.

ClinVar aggregate classification (germline): Benign/Likely benign. Review status: criteria provided, multiple submitters, no conflicts (2 of 4 stars). 5 submissions from 5 submitters: Benign (3); Likely benign (2). Last evaluated 2026-02-01.

Allele frequency attached by ClinVar (database versions not stated): 1000 Genomes Project 30x 0.00265; 1000 Genomes Project 0.00280; TOPMed 0.00434; gnomAD 0.00539 and 0.00562; gnomAD exomes 0.00540 and 0.00714; ExAC 0.00571; ESP Exome Variant Server 0.00654.
gnomAD v4.1: 11,159 of 1,614,164 alleles (0.69%); highest among the groups gnomAD compares: Non-Finnish European, 0.84%; 51 homozygotes.

Submissions (5):

CeGaT Center for Human Genetics Tuebingen
Classification: Likely benign. Last evaluated: 2026-02-01. Review status: criteria provided, single submitter. Criteria: CeGaT Center For Human Genetics Tuebingen Variant Classification Criteria Version 2. Collection method: clinical testing. Allele origin: germline. Affected: yes. Observed: 8 variant alleles.
Comment: GFI1B: BP4, BS2

Mayo Clinic Laboratories, Mayo Clinic
Classification: Benign. Last evaluated: 2025-10-23. Review status: criteria provided, single submitter. Criteria: ACMG Guidelines, 2015. Collection method: clinical testing. Allele origin: germline. Observed: 13 variant alleles.
Comment: BS1, BS2, BP4, BP7

Blueprint Genetics
Classification: Likely benign. Last evaluated: 2024-11-26. Review status: criteria provided, single submitter. Criteria: ACMG Guidelines, 2015. Collection method: clinical testing. Allele origin: germline.

Genetic Services Laboratory, University of Chicago
Classification: Benign. Last evaluated: 2021-08-02. Review status: criteria provided, single submitter. Criteria: ACMG Guidelines, 2015. Collection method: clinical testing. Allele origin: germline. Affected: no.

Labcorp Genetics (formerly Invitae), Labcorp
Classification: Benign. Last evaluated: 2019-12-31. Review status: criteria provided, single submitter. Criteria: Invitae Variant Classification Sherloc (09022015). Collection method: clinical testing. Allele origin: germline.